The following is an entry in ClinVar:

ClinVar aggregate classification (germline): Pathogenic (1 of 4 stars; one submission).

Submission:

Labcorp Genetics (formerly Invitae), Labcorp
Classification: Pathogenic. Last evaluated: 2023-07-14. Review status: criteria provided, single submitter. Criteria: Invitae Variant Classification Sherloc (09022015). Collection method: clinical testing. Allele origin: germline.
Comment: For these reasons, this variant has been classified as Pathogenic. This variant disrupts a region of the RXYLT1 protein in which other variant(s) (p.Gly333Arg) have been determined to be pathogenic (PMID: 25279699, 27130732; Invitae). This suggests that this is a clinically significant region of the protein, and that variants that disrupt it are likely to be disease-causing. ClinVar contains an entry for this variant (Variation ID: 1008116). This variant has not been reported in the literature in individuals affected with RXYLT1-related conditions. This variant is not present in population databases (gnomAD no frequency). This sequence change creates a premature translational stop signal (p.Val332Glyfs*12) in the RXYLT1 gene. While this is not anticipated to result in nonsense mediated decay, it is expected to disrupt the last 112 amino acid(s) of the RXYLT1 protein.

Literature cited by the submitters: PubMed 25279699; PubMed 27130732.

NM_014254.3(RXYLT1):c.994dup (p.Val332fs)

Gene: RXYLT1 (ribitol xylosyltransferase 1; plus strand). Cytogenetic location: 12q14.2.
Variant type: Duplication.
Coding change: c.994dup on transcript NM_014254.3 (MANE Select); coding-DNA position 994, one base duplicated (G; older notation c.994dupG).
Protein change: p.Val332fs; shifts the reading frame from valine 332.
Molecular consequence: frameshift variant.
Genome position (GRCh38, 1-based): chr12:63,808,754, G duplicated; the last of 2 consecutive G bases (chr12:63,808,753-63,808,754); duplicating either gives the same sequence. VCF-style (leftmost placement, unchanged base first): chr12-63808752-C-CG. GRCh37 (hg19) VCF-style: chr12-64202532-C-CG.
Other names: c.214dup, p.Val72fs (NM_001278237.2); short protein forms V332fs, V72fs.
Identifiers: ClinVar variation 1008116 (VCV001008116.6), dbSNP rs1898371402, ClinGen allele CA2041840077.